The following is an entry in ClinVar:

ClinVar aggregate classification (germline): Uncertain significance (1 of 4 stars; one submission).

Submission:

Labcorp Genetics (formerly Invitae), Labcorp
Classification: Uncertain significance. Last evaluated: 2024-10-23. Review status: criteria provided, single submitter. Criteria: Invitae Variant Classification Sherloc (09022015). Collection method: clinical testing. Allele origin: germline.
Comment: This sequence change falls in intron 12 of the HARS2 gene. It does not directly change the encoded amino acid sequence of the HARS2 protein. This variant is present in population databases (no rsID available, gnomAD 0.003%). This variant has not been reported in the literature in individuals affected with HARS2-related conditions. Algorithms developed to predict the effect of sequence changes on RNA splicing suggest that this variant may disrupt the consensus splice site. In summary, the available evidence is currently insufficient to determine the role of this variant in disease. Therefore, it has been classified as a Variant of Uncertain Significance.

NM_012208.4(HARS2):c.1462-11T>G

Gene: HARS2 (histidyl-tRNA synthetase 2, mitochondrial; plus strand). Cytogenetic location: 5q31.3.
Variant type: single nucleotide variant.
Coding change: c.1462-11T>G on transcript NM_012208.4 (MANE Select); 11 bases into the intron before coding-DNA position 1462, T replaced by G.
Molecular consequence: intron variant.
Genome position (GRCh38, 1-based): chr5:140,698,482, T>G. VCF-style: chr5-140698482-T-G. GRCh37 (hg19) VCF-style: chr5-140078067-T-G.
Other names: c.1030-11T>G (NM_001278732.2); c.1480-11T>G (NM_001363535.2); c.1387-11T>G (NM_001278731.2); c.1252-11T>G (NM_001363536.2).
Identifiers: ClinVar variation 3696434 (VCV003696434.1).